The following is an entry in ClinVar:

NM_000245.4(MET):c.1937C>G (p.Thr646Arg)

Gene: MET (MET proto-oncogene, receptor tyrosine kinase; plus strand). Cytogenetic location: 7q31.2.
Variant type: single nucleotide variant.
Coding change: c.1937C>G on transcript NM_000245.4 (MANE Select); coding-DNA position 1937, C replaced by G.
Protein change: p.Thr646Arg; replaces threonine 646 with arginine.
Molecular consequence: missense variant.
Genome position (GRCh38, 1-based): chr7:116,757,511, C>G. VCF-style: chr7-116757511-C-G. GRCh37 (hg19) VCF-style: chr7-116397565-C-G.
Other names: c.1937C>G, p.Thr646Arg (NM_001127500.3, NM_001324401.3); c.647C>G, p.Thr216Arg (NM_001324402.2); short protein forms T646R, T216R.
Identifiers: ClinVar variation 5024381 (VCV005024381.1).

ClinVar aggregate classification (germline): Uncertain significance (1 of 4 stars; one submission).

Conditions:
Hereditary cancer-predisposing syndrome. Also called: Neoplastic Syndromes, Hereditary; Tumor predisposition; Hereditary neoplastic syndrome; Hereditary Cancer Syndrome. Identifiers: Orphanet 140162, MedGen C0027672, MeSH D009386, MONDO:0015356.

Submission:

Ambry Genetics
Classification: Uncertain significance for Hereditary cancer-predisposing syndrome. Last evaluated: 2026-07-07. Review status: criteria provided, single submitter. Criteria: Ambry Variant Classification Scheme 2023. Collection method: clinical testing. Allele origin: germline.
Comment: The p.T646R variant (also known as c.1937C>G), located in coding exon 6 of the MET gene, results from a C to G substitution at nucleotide position 1937. The threonine at codon 646 is replaced by arginine, an amino acid with similar properties. This amino acid position is conserved. In addition, this alteration is predicted to be tolerated by in silico analysis. Based on the available evidence, the clinical significance of this variant remains unclear.